The following is an entry in ClinVar:

ClinVar aggregate classification (germline): Likely benign (1 of 4 stars; one submission).

Conditions:
Malignant hyperthermia, susceptibility to, 5 (MHS5). Also called: CACNA1S-Related Malignant Hyperthermia Susceptibility. Identifiers: Orphanet 423, MedGen C1866077, MONDO:0011163, OMIM 601887.

gnomAD v4.1: 7 of 1,153,200 alleles (0.00061%); highest among the groups gnomAD compares: Non-Finnish European, 0.00075%; no homozygotes.

Submission:

All of Us Research Program, National Institutes of Health
Classification: Likely benign for Malignant hyperthermia, susceptibility to, 5. Last evaluated: 2024-02-22. Review status: criteria provided, single submitter. Criteria: ACMG Guidelines, 2015. Collection method: clinical testing. Allele origin: germline. Inheritance: Autosomal dominant inheritance. Observed: 1 variant allele, 1 heterozygote.
Comment: This study involves interpretation of variants in research participants for the purpose of population health screening. Participant phenotype was not available at the time of variant classification. Additional details can be found in publication PMID: 35346344, PMCID: PMC8962531

NM_000069.3(CACNA1S):c.2854-9T>G

Gene: CACNA1S (calcium voltage-gated channel subunit alpha1 S; minus strand). Cytogenetic location: 1q32.1.
Variant type: single nucleotide variant.
Coding change: c.2854-9T>G on transcript NM_000069.3 (MANE Select); 9 bases into the intron before coding-DNA position 2854, T replaced by G.
Molecular consequence: intron variant.
Genome position (GRCh38, 1-based): chr1:201,062,523, A>C on the plus strand (T>G on the coding strand, the complement: CACNA1S is on the minus strand). VCF-style: chr1-201062523-A-C. GRCh37 (hg19) VCF-style: chr1-201031651-A-C.
Identifiers: ClinVar variation 3386342 (VCV003386342.1).
Genomic context (GRCh38, chr1:201,062,523, plus strand): 5'-TGCACTCCTCCTCTGTCATCTTGGACAAGTCGGTGCACCTGAAGAACTTCCCCTGCAGCC[A>C]GGAAGAGGGAGGGAGGGAGGGAGGCATGTTGTCATGGAAACAGGATAGAAAAGTGGGCTC-3'